The following is an entry in ClinVar:

ClinVar aggregate classification (germline): Uncertain significance. Review status: criteria provided, multiple submitters, no conflicts (2 of 4 stars). 4 submissions from 4 submitters: Uncertain significance (4). Last evaluated 2025-12-01.

Conditions:
Dilated cardiomyopathy 1G (CMD1G). Identifiers: Orphanet 154, MedGen C1858763, MONDO:0011400, OMIM 604145.
Myopathy, myofibrillar, 9, with early respiratory failure (MFM9). Also called: EDSTROM MYOPATHY; MYOPATHY, PROXIMAL, WITH EARLY RESPIRATORY MUSCLE INVOLVEMENT; Hereditary myopathy with early respiratory failure; Myopathy, distal, with early respiratory failure, autosomal dominant. Identifiers: Orphanet 178464, Orphanet 34521, MedGen C1863599, MONDO:0011362, OMIM 603689.
Autosomal recessive limb-girdle muscular dystrophy type 2J (LGMDR10). Also called: Limb-girdle muscular dystrophy, type 2J; MUSCULAR DYSTROPHY, LIMB-GIRDLE, AUTOSOMAL RECESSIVE 10. Identifiers: Orphanet 140922, MedGen C1837342, MONDO:0012127, OMIM 608807.
Tibial muscular dystrophy (TMD). Also called: Udd Distal Myopathy – Tibial Muscular Dystrophy; Tibial muscular dystrophy, tardive; UDD MYOPATHY. Identifiers: Orphanet 609, MedGen C1838244, MONDO:0010870, OMIM 600334.
Early-onset myopathy with fatal cardiomyopathy (CMYO5). Also called: CONGENITAL MYOPATHY 5 WITH CARDIOMYOPATHY; Salih Myopathy. Identifiers: Orphanet 289377, MedGen C2673677, MONDO:0012714, OMIM 611705. Disease mechanism: loss of function.
Hypertrophic cardiomyopathy 9. Also called: Familial hypertrophic cardiomyopathy 9. Identifiers: MedGen C1861065, MONDO:0013412, OMIM 613765.

Allele frequency attached by ClinVar (database versions not stated): gnomAD 0.00001; gnomAD exomes 0.00001; TOPMed 0.00002.
gnomAD v4.1: 13 of 1,613,678 alleles (0.00081%); highest among the groups gnomAD compares: African/African-American, 0.0013%; no homozygotes.

Submissions (4):

CeGaT Center for Human Genetics Tuebingen
Classification: Uncertain significance. Last evaluated: 2025-12-01. Review status: criteria provided, single submitter. Criteria: CeGaT Center For Human Genetics Tuebingen Variant Classification Criteria Version 2. Collection method: clinical testing. Allele origin: germline. Affected: yes. Observed: 1 variant allele.
Comment: TTN: PM2:Supporting

Fulgent Genetics
Classification: Uncertain significance for Tibial muscular dystrophy; Myopathy, myofibrillar, 9, with early respiratory failure; Dilated cardiomyopathy 1G; Autosomal recessive limb-girdle muscular dystrophy type 2J; Early-onset myopathy with fatal cardiomyopathy; Hypertrophic cardiomyopathy 9. Last evaluated: 2021-12-06. Review status: criteria provided, single submitter. Criteria: ACMG Guidelines, 2015. Collection method: clinical testing. Allele origin: unknown.

Mayo Clinic Laboratories, Mayo Clinic
Classification: Uncertain significance. Last evaluated: 2020-07-09. Review status: criteria provided, single submitter. Criteria: ACMG Guidelines, 2015. Collection method: clinical testing. Allele origin: germline. Observed: 1 variant allele.

Laboratory for Molecular Medicine, Mass General Brigham Personalized Medicine
Classification: Uncertain significance. Last evaluated: 2013-12-26. Review status: criteria provided, single submitter. Criteria: LMM Criteria. Collection method: clinical testing. Allele origin: germline. Observed: 1 variant allele.
Comment: The Glu29783Lys variant in TTN has not been previously reported in individuals w ith cardiomyopathy or in large population studies. Glutamic Acid (Glu) at positi on 29783 is not conserved in mammals or evolutionarily distant species, raising the possibility that a change at this position may be tolerated. Additional comp utational analyses (biochemical amino acid properties, AlignGVGD, PolyPhen2, and SIFT) do not provide strong support for or against an impact to the protein. In summary, additional information is needed to fully assess the clinical signific ance of the Glu28783Lys variant.

NM_001267550.2(TTN):c.97051G>A (p.Glu32351Lys)

Genes: TTN (titin; minus strand), TTN-AS1 (TTN antisense RNA 1; plus strand). Cytogenetic location: 2q31.2.
Variant type: single nucleotide variant.
Coding change: c.97051G>A on transcript NM_001267550.2 (MANE Select); coding-DNA position 97051, G replaced by A.
Protein change: p.Glu32351Lys; replaces glutamic acid 32351 with lysine.
Molecular consequence: missense variant.
Genome position (GRCh38, 1-based): chr2:178,542,803, C>T on the plus strand (G>A on the coding strand, the complement: TTN is on the minus strand). VCF-style: chr2-178542803-C-T. GRCh37 (hg19) VCF-style: chr2-179407530-C-T.
Other names: c.89347G>A, p.Glu29783Lys (NM_133378.4); c.92128G>A, p.Glu30710Lys (NM_001256850.1); c.69856G>A, p.Glu23286Lys (NM_003319.4); c.70231G>A, p.Glu23411Lys (NM_133432.3); c.70432G>A, p.Glu23478Lys (NM_133437.4); short protein forms E29783K, E32351K, E23286K, E23411K, E30710K, E23478K.
Identifiers: ClinVar variation 179461 (VCV000179461.16), dbSNP rs727504879, ClinGen allele CA184464.